The following is an entry in ClinVar:

NM_002742.3(PRKD1):c.1465C>T (p.Pro489Ser)

Gene: PRKD1 (protein kinase D1; minus strand). Cytogenetic location: 14q12.
Variant type: single nucleotide variant.
Coding change: c.1465C>T on transcript NM_002742.3 (MANE Select); coding-DNA position 1465, C replaced by T.
Protein change: p.Pro489Ser; replaces proline 489 with serine.
Molecular consequence: missense variant.
Genome position (GRCh38, 1-based): chr14:29,630,949, G>A on the plus strand (C>T on the coding strand, the complement: PRKD1 is on the minus strand). VCF-style: chr14-29630949-G-A. GRCh37 (hg19) VCF-style: chr14-30100155-G-A.
Other names: c.1489C>T, p.Pro497Ser (NM_001330069.2); c.1201C>T, p.Pro401Ser (NM_001348390.1); short protein forms P489S, P497S, P401S.
Identifiers: ClinVar variation 4985427 (VCV004985427.1).
Genomic context (GRCh38, chr14:29,630,949, plus strand): 5'-TGACCACATTTTCTCCCACATAATACACTACATTTGCCGTAGTGATTTCGAAACAATGAG[G>A]ATTGGCCCCATTAGGAATTAAAGCTGAAGTTTTTACTGGTTCCAGAGACAAAATTTCAGA-3'
Protein context (NP_002733.2, residues 479-499): TSALIPNGAN[Pro489Ser]HCFEITTANV

ClinVar aggregate classification (germline): Uncertain significance (1 of 4 stars; one submission).

Conditions:
PRKD1-related disorder. Also called: PRKD1-related condition.

Submission:

PreventionGenetics, part of Exact Sciences
Classification: Uncertain significance for PRKD1-related condition. Last evaluated: 2025-06-05. Review status: criteria provided, single submitter. Criteria: ACMG Guidelines, 2015. Collection method: clinical testing. Allele origin: germline.
Comment: The PRKD1 c.1489C>T variant is predicted to result in the amino acid substitution p.Pro497Ser. To our knowledge, this variant has not been reported in the literature or in a large population database (gnomAD), indicating this variant is rare. At this time, the clinical significance of this variant is uncertain due to the absence of conclusive functional and genetic evidence.